The following is an entry in ClinVar:

ClinVar aggregate classification (germline): Uncertain significance (1 of 4 stars; one submission).

Conditions:
Inborn genetic diseases. Identifiers: MedGen C0950123, MeSH D030342.

gnomAD v4.1: 4 of 1,613,432 alleles (0.00025%); highest among the groups gnomAD compares: East Asian, 0.0022%; no homozygotes.

Submission:

Ambry Genetics
Classification: Uncertain significance for Inborn genetic diseases. Last evaluated: 2025-03-29. Review status: criteria provided, single submitter. Criteria: Ambry Variant Classification Scheme 2023. Collection method: clinical testing. Allele origin: germline.
Comment: The p.A224T variant (also known as c.670G>A), located in coding exon 5 of the ELANE gene, results from a G to A substitution at nucleotide position 670. The alanine at codon 224 is replaced by threonine, an amino acid with similar properties. This amino acid position is conserved. In addition, the in silico prediction for this alteration is inconclusive. Based on the available evidence, the clinical significance of this variant remains unclear.

NM_001972.4(ELANE):c.670G>A (p.Ala224Thr)

Gene: ELANE (elastase, neutrophil expressed; plus strand). Cytogenetic location: 19p13.3.
Variant type: single nucleotide variant.
Coding change: c.670G>A on transcript NM_001972.4 (MANE Select); coding-DNA position 670, G replaced by A.
Protein change: p.Ala224Thr; replaces alanine 224 with threonine.
Molecular consequence: missense variant.
Genome position (GRCh38, 1-based): chr19:856,030, G>A. VCF-style: chr19-856030-G-A. GRCh37 (hg19) VCF-style: chr19-856030-G-A.
Other names: short protein forms A224T.
Identifiers: ClinVar variation 4017370 (VCV004017370.1).
Genomic context (GRCh38, chr19:856,030, plus strand): 5'-AGCCCCTTGGTCTGCAACGGGCTAATCCACGGAATTGCCTCCTTCGTCCGGGGAGGCTGC[G>A]CCTCAGGGCTCTACCCCGATGCCTTTGCCCCGGTGGCACAGTTTGTAAACTGGATCGACT-3'
Protein context (NP_001963.1, residues 214-234): GIASFVRGGC[Ala224Thr]SGLYPDAFAP